The following is an entry in ClinVar:

NM_003482.4(KMT2D):c.278G>A (p.Arg93Gln)

Gene: KMT2D (lysine methyltransferase 2D; minus strand). Cytogenetic location: 12q13.12.
Variant type: single nucleotide variant.
Coding change: c.278G>A on transcript NM_003482.4 (MANE Select); coding-DNA position 278, G replaced by A.
Protein change: p.Arg93Gln; replaces arginine 93 with glutamine.
Molecular consequence: missense variant.
Genome position (GRCh38, 1-based): chr12:49,054,650, C>T on the plus strand (G>A on the coding strand, the complement: KMT2D is on the minus strand). VCF-style: chr12-49054650-C-T. GRCh37 (hg19) VCF-style: chr12-49448433-C-T.
Other names: short protein forms R93Q.
Identifiers: ClinVar variation 1397362 (VCV001397362.8), dbSNP rs1301033353, ClinGen allele CA384688717.
Genomic context (GRCh38, chr12:49,054,650, plus strand): 5'-TCACTGGGCAGCACTGCCTCATTGGGCCCTGGGCTCCCCCCAGGGGACACCACTGGACAC[C>T]GGGGCCAATCAAATGGCAACTCAAAGCGCCGTAGCTCCCGCTGCCCGTGTAGACTGGGCT-3'
Protein context (NP_003473.3, residues 83-103): RRFELPFDWP[Arg93Gln]CPVVSPGGSP

ClinVar aggregate classification (germline): Uncertain significance (1 of 4 stars; one submission).

Conditions:
Kabuki syndrome. Also called: NIIKAWA-KUROKI SYNDROME; Kabuki make-up syndrome. Identifiers: Orphanet 2322, MedGen C0796004, MONDO:0016512.

Allele frequency attached by ClinVar (database versions not stated): gnomAD exomes below 0.00001; TOPMed below 0.00001; gnomAD 0.00001.
gnomAD v4.1: 4 of 1,612,482 alleles (0.00025%); highest among the groups gnomAD compares: African/African-American, 0.0013%; no homozygotes.

Submission:

Labcorp Genetics (formerly Invitae), Labcorp
Classification: Uncertain significance for Kabuki syndrome. Last evaluated: 2021-02-15. Review status: criteria provided, single submitter. Criteria: Invitae Variant Classification Sherloc (09022015). Collection method: clinical testing. Allele origin: germline.
Comment: This sequence change replaces arginine with glutamine at codon 93 of the KMT2D protein (p.Arg93Gln). The arginine residue is weakly conserved and there is a small physicochemical difference between arginine and glutamine. This variant is not present in population databases (ExAC no frequency). This variant has not been reported in the literature in individuals with KMT2D-related conditions. Advanced modeling of protein sequence and biophysical properties (such as structural, functional, and spatial information, amino acid conservation, physicochemical variation, residue mobility, and thermodynamic stability) performed at Invitae indicates that this missense variant is not expected to disrupt KMT2D protein function. Algorithms developed to predict the effect of sequence changes on RNA splicing suggest that this variant may create or strengthen a splice site, but this prediction has not been confirmed by published transcriptional studies. In summary, the available evidence is currently insufficient to determine the role of this variant in disease. Therefore, it has been classified as a Variant of Uncertain Significance.